The following is an entry in ClinVar:

NM_001379451.1(BCORL1):c.1985T>C (p.Leu662Pro)

Gene: BCORL1 (BCL6 corepressor like 1; plus strand). Cytogenetic location: Xq26.1.
Variant type: single nucleotide variant.
Coding change: c.1985T>C on transcript NM_001379451.1 (MANE Select); coding-DNA position 1985, T replaced by C.
Protein change: p.Leu662Pro; replaces leucine 662 with proline.
Molecular consequence: missense variant.
Genome position (GRCh38, 1-based): chrX:130,014,757, T>C. VCF-style: chrX-130014757-T-C. GRCh37 (hg19) VCF-style: chrX-129148733-T-C.
Other names: c.1985T>C, p.Leu662Pro (NM_001184772.3, NM_001379450.1, NM_021946.5); short protein forms L662P.
Identifiers: ClinVar variation 3383493 (VCV003383493.1).

ClinVar aggregate classification (germline): Uncertain significance (1 of 4 stars; one submission).

gnomAD v4.1: 3 of 1,211,438 alleles (0.00025%); highest among the groups gnomAD compares: Non-Finnish European, 0.00034%; no homozygotes.

Submission:

GeneDx
Classification: Uncertain significance. Last evaluated: 2024-05-30. Review status: criteria provided, single submitter. Criteria: GeneDx Variant Classification Process June 2021. Collection method: clinical testing. Allele origin: germline. Affected: yes.
Comment: Not observed at significant frequency in large population cohorts (gnomAD); In silico analysis indicates that this missense variant does not alter protein structure/function; Has not been previously published as pathogenic or benign to our knowledge